The following is an entry in ClinVar:

ClinVar aggregate classification (germline): Uncertain significance (1 of 4 stars; one submission).

gnomAD v4.1: 146 of 1,604,700 alleles (0.0091%); highest among the groups gnomAD compares: Non-Finnish European, 0.012%; no homozygotes.

Submission:

Women's Health and Genetics/Laboratory Corporation of America, LabCorp
Classification: Uncertain significance. Last evaluated: 2026-03-25. Review status: criteria provided, single submitter. Criteria: LabCorp Variant Classification Summary - May 2015. Collection method: clinical testing. Allele origin: germline.
Comment: Variant summary: AEBP1 c.1005G>T (p.Glu335Asp) results in a conservative amino acid change in the encoded protein sequence. Algorithms developed to predict the effect of missense changes on protein structure and function all suggest that this variant is likely to be tolerated. The variant allele was found at a frequency of 4.3e-05 in 232786 control chromosomes. This frequency is not significantly higher than estimated for disease-causing variants in AEBP1, allowing no conclusion about variant significance. To our knowledge, no occurrence of c.1005G>T in individuals affected with AEBP1-related conditions and no experimental evidence demonstrating its impact on protein function have been reported. ClinVar contains an entry for this variant (Variation ID: 3902661). Based on the evidence outlined above, the variant was classified as uncertain significance.

NM_001129.5(AEBP1):c.1005G>T (p.Glu335Asp)

Gene: AEBP1 (AE binding protein 1; plus strand). Cytogenetic location: 7p13.
Variant type: single nucleotide variant.
Coding change: c.1005G>T on transcript NM_001129.5 (MANE Select); coding-DNA position 1005, G replaced by T.
Protein change: p.Glu335Asp; replaces glutamic acid 335 with aspartic acid.
Molecular consequence: missense variant.
Genome position (GRCh38, 1-based): chr7:44,108,963, G>T. VCF-style: chr7-44108963-G-T. GRCh37 (hg19) VCF-style: chr7-44148562-G-T.
Other names: short protein forms E335D.
Identifiers: ClinVar variation 3902661 (VCV003902661.2).
Genomic context (GRCh38, chr7:44,108,963, plus strand): 5'-CTATTACTTTGGGCCTCCTCCGCCCCAGAAGCCCGATGCTGAGCGCCAGACAGACGAAGA[G>T]AAGGAGGAGCTGAGTGAGTGGGACCAAGGACTTCCCACACCAGGCCTGCCCTGAAGGCCA-3'
Protein context (NP_001120.3, residues 325-345): KPDAERQTDE[Glu335Asp]KEELKKPKKE